The following is an entry in ClinVar:

ClinVar aggregate classification (germline): Benign/Likely benign. Review status: criteria provided, multiple submitters, no conflicts (2 of 4 stars). 13 submissions from 7 submitters: Benign (12); Likely benign (1). Last evaluated 2026-02-04.

Conditions:
CFH-Related Dense Deposit Disease / Membranoproliferative Glomerulonephritis Type II. Identifiers: MedGen CN071292.
Basal laminar drusen. Also called: DRUSEN OF BRUCH MEMBRANE; DRUSEN, CUTICULAR; DRUSEN, EARLY ADULT-ONSET, GROUPED. Identifiers: Orphanet 75376, MedGen C0730295, MONDO:0007472, OMIM 126700.
Hemolytic uremic syndrome, atypical, susceptibility to, 1. Also called: AHUS, SUSCEPTIBILITY TO, 1. Identifiers: Orphanet 2134, Orphanet 90038, MedGen C2749604, MONDO:0009335, OMIM 235400. Disease mechanism: Other.
Age related macular degeneration 4. Identifiers: MedGen C1853147, MONDO:0012540, OMIM 610698.
Factor H deficiency (CFHD). Also called: COMPLEMENT FACTOR H DEFICIENCY; CFH DEFICIENCY. Identifiers: Orphanet 200421, MedGen C0398777, MONDO:0012350, OMIM 609814.

Allele frequency attached by ClinVar (database versions not stated): gnomAD exomes 0.00334 and 0.00825; ExAC 0.01710; gnomAD 0.03405 and 0.03666; 1000 Genomes Project 0.03694; TOPMed 0.03772; ESP Exome Variant Server 0.03825; 1000 Genomes Project 30x 0.04122.
gnomAD v4.1: 10,217 of 1,596,152 alleles (0.64%); highest among the groups gnomAD compares: African/African-American, 12%; 553 homozygotes.

Submissions (13):

Labcorp Genetics (formerly Invitae), Labcorp
Classification: Benign. Last evaluated: 2026-02-04. Review status: criteria provided, single submitter. Criteria: Invitae Variant Classification Sherloc (09022015). Collection method: clinical testing. Allele origin: germline.

Women's Health and Genetics/Laboratory Corporation of America, LabCorp
Classification: Benign. Last evaluated: 2026-01-21. Review status: criteria provided, single submitter. Criteria: LabCorp Variant Classification Summary - May 2015. Collection method: clinical testing. Allele origin: germline.

Blueprint Genetics
Classification: Likely benign. Last evaluated: 2024-11-26. Review status: criteria provided, single submitter. Criteria: ACMG Guidelines, 2015. Collection method: clinical testing. Allele origin: germline.

Genome-Nilou Lab
Classification: Benign for Hemolytic uremic syndrome, atypical, susceptibility to, 1. Last evaluated: 2023-04-11. Review status: criteria provided, single submitter. Criteria: ACMG Guidelines, 2015. Collection method: clinical testing. Allele origin: germline. Affected: no.

Genome-Nilou Lab
Classification: Benign for Age related macular degeneration 4. Last evaluated: 2023-04-11. Review status: criteria provided, single submitter. Criteria: ACMG Guidelines, 2015. Collection method: clinical testing. Allele origin: germline. Affected: no.

Genome-Nilou Lab
Classification: Benign for Basal laminar drusen. Last evaluated: 2023-04-11. Review status: criteria provided, single submitter. Criteria: ACMG Guidelines, 2015. Collection method: clinical testing. Allele origin: germline. Affected: no.

Genome-Nilou Lab
Classification: Benign for Factor H deficiency. Last evaluated: 2023-04-11. Review status: criteria provided, single submitter. Criteria: ACMG Guidelines, 2015. Collection method: clinical testing. Allele origin: germline. Affected: no.

GeneDx
Classification: Benign. Last evaluated: 2020-12-04. Review status: criteria provided, single submitter. Criteria: GeneDx Variant Classification Process June 2021. Collection method: clinical testing. Allele origin: germline. Affected: yes.

Illumina Laboratory Services, Illumina
Classification: Benign for Basal laminar drusen. Last evaluated: 2018-01-13. Review status: criteria provided, single submitter. Criteria: ICSL Variant Classification Criteria 13 December 2019. Collection method: clinical testing. Allele origin: germline.
Comment: This variant was observed in the ICSL laboratory as part of a predisposition screen in an ostensibly healthy population. It had not been previously curated by ICSL or reported in the Human Gene Mutation Database (HGMD: prior to June 1st, 2018), and was therefore a candidate for classification through an automated scoring system. Utilizing variant allele frequency, disease prevalence and penetrance estimates, and inheritance mode, an automated score was calculated to assess if this variant is too frequent to cause the disease. Based on the score and internal cut-off values, a variant classified as benign is not then subjected to further curation. The score for this variant resulted in a classification of benign for this disease.

Illumina Laboratory Services, Illumina
Classification: Benign for Membranoproliferative glomerulonephritis with complement factor h deficiency. Last evaluated: 2018-01-13. Review status: criteria provided, single submitter. Criteria: ICSL Variant Classification Criteria 13 December 2019. Collection method: clinical testing. Allele origin: germline.
Comment: the same text as in the submission from Illumina Laboratory Services, Illumina above.

Illumina Laboratory Services, Illumina
Classification: Benign for Age related macular degeneration 4. Last evaluated: 2018-01-13. Review status: criteria provided, single submitter. Criteria: ICSL Variant Classification Criteria 13 December 2019. Collection method: clinical testing. Allele origin: germline.
Comment: the same text as in the submission from Illumina Laboratory Services, Illumina above.

Illumina Laboratory Services, Illumina
Classification: Benign for Hemolytic uremic syndrome, atypical, susceptibility to, 1. Last evaluated: 2018-01-13. Review status: criteria provided, single submitter. Criteria: ICSL Variant Classification Criteria 13 December 2019. Collection method: clinical testing. Allele origin: germline.
Comment: the same text as in the submission from Illumina Laboratory Services, Illumina above.

Breakthrough Genomics
Classification: Benign. Review status: criteria provided, single submitter. Criteria: ACMG Guidelines, 2015. Collection method: not provided. Allele origin: germline. Inheritance: Autosomal recessive inheritance. Affected: yes.

NM_000186.4(CFH):c.1160-15T>C

Gene: CFH (complement factor H; plus strand). Cytogenetic location: 1q31.3.
Variant type: single nucleotide variant.
Coding change: c.1160-15T>C on transcript NM_000186.4 (MANE Select); 15 bases into the intron before coding-DNA position 1160, T replaced by C.
Molecular consequence: intron variant.
Genome position (GRCh38, 1-based): chr1:196,690,048, T>C. VCF-style: chr1-196690048-T-C. GRCh37 (hg19) VCF-style: chr1-196659178-T-C.
Other names: c.1160-15T>C (NM_001014975.3).
Identifiers: ClinVar variation 294489 (VCV000294489.19), dbSNP rs34815383, ClinGen allele CA1305269.